The following is an entry in ClinVar:

ClinVar aggregate classification (germline): Uncertain significance. Review status: criteria provided, multiple submitters, no conflicts (2 of 4 stars). 2 submissions from 2 submitters: Uncertain significance (2). Last evaluated 2023-08-04.

Conditions:
Metachromatic leukodystrophy (MLD). Also called: ARSA DEFICIENCY; Arylsulfatase A Deficiency; SULFATIDE LIPIDOSIS; CEREBROSIDE SULFATASE DEFICIENCY; METACHROMATIC LEUKOENCEPHALOPATHY; Cerebral sclerosis diffuse metachromatic form. Identifiers: Orphanet 512, MedGen C0023522, MONDO:0018868, OMIM 250100.

Allele frequency attached by ClinVar (database versions not stated): gnomAD 0.00001 and 0.00003; TOPMed 0.00002; gnomAD exomes 0.00005 and 0.00012; ESP Exome Variant Server 0.00015; ExAC 0.00023.

Submissions (2):

Blueprint Genetics
Classification: Uncertain significance. Last evaluated: 2023-08-04. Review status: criteria provided, single submitter. Criteria: ACMG Guidelines, 2015. Collection method: clinical testing. Allele origin: germline.

Labcorp Genetics (formerly Invitae), Labcorp
Classification: Uncertain significance for Metachromatic leukodystrophy. Last evaluated: 2022-07-19. Review status: criteria provided, single submitter. Criteria: Invitae Variant Classification Sherloc (09022015). Collection method: clinical testing. Allele origin: germline.
Comment: This sequence change replaces arginine, which is basic and polar, with cysteine, which is neutral and slightly polar, at codon 243 of the ARSA protein (p.Arg243Cys). This variant is present in population databases (rs369593442, gnomAD 0.03%). This variant has not been reported in the literature in individuals affected with ARSA-related conditions. ClinVar contains an entry for this variant (Variation ID: 1404880). Advanced modeling of protein sequence and biophysical properties (such as structural, functional, and spatial information, amino acid conservation, physicochemical variation, residue mobility, and thermodynamic stability) performed at Invitae indicates that this missense variant is expected to disrupt ARSA protein function. In summary, the available evidence is currently insufficient to determine the role of this variant in disease. Therefore, it has been classified as a Variant of Uncertain Significance.

NM_000487.6(ARSA):c.727C>T (p.Arg243Cys)

Gene: ARSA (arylsulfatase A; minus strand). Cytogenetic location: 22q13.33.
Variant type: single nucleotide variant.
Coding change: c.727C>T on transcript NM_000487.6 (MANE Select); coding-DNA position 727, C replaced by T.
Protein change: p.Arg243Cys; replaces arginine 243 with cysteine.
Molecular consequence: missense variant.
Genome position (GRCh38, 1-based): chr22:50,626,718, G>A on the plus strand (C>T on the coding strand, the complement: ARSA is on the minus strand). VCF-style: chr22-50626718-G-A. GRCh37 (hg19) VCF-style: chr22-51065146-G-A.
Other names: c.727C>T, p.Arg243Cys (NM_001085425.3, NM_001085426.3, NM_001085427.3); c.469C>T, p.Arg157Cys (NM_001085428.3, NM_001362782.2); short protein forms R157C, R243C.
Identifiers: ClinVar variation 1404880 (VCV001404880.6), dbSNP rs369593442, ClinGen allele CA10324930.